The following is an entry in ClinVar:

NM_001082486.2(ACD):c.937T>A (p.Ser313Thr)

Gene: ACD (ACD shelterin complex subunit and telomerase recruitment factor; minus strand). Cytogenetic location: 16q22.1.
Variant type: single nucleotide variant.
Coding change: c.937T>A on transcript NM_001082486.2 (MANE Select); coding-DNA position 937, T replaced by A.
Protein change: p.Ser313Thr; replaces serine 313 with threonine.
Molecular consequence: missense variant.
Genome position (GRCh38, 1-based): chr16:67,658,255, A>T on the plus strand (T>A on the coding strand, the complement: ACD is on the minus strand). VCF-style: chr16-67658255-A-T. GRCh37 (hg19) VCF-style: chr16-67692158-A-T.
Other names: c.850T>A, p.Ser284Thr (NM_001410884.1); c.928T>A, p.Ser310Thr (NM_022914.3); short protein forms S284T, S310T, S313T.
Identifiers: ClinVar variation 1745928 (VCV001745928.2), dbSNP rs1295487812, ClinGen allele CA396352731.

ClinVar aggregate classification (germline): Uncertain significance (1 of 4 stars; one submission).

Conditions:
Inborn genetic diseases. Identifiers: MedGen C0950123, MeSH D030342.

Allele frequency attached by ClinVar (database versions not stated): gnomAD exomes below 0.00001; gnomAD 0.00001; TOPMed 0.00001.
gnomAD v4.1: 2 of 1,613,420 alleles (0.00012%); highest among the groups gnomAD compares: African/African-American, 0.0027%; no homozygotes.

Submission:

Ambry Genetics
Classification: Uncertain significance for Inborn genetic diseases. Last evaluated: 2023-10-12. Review status: criteria provided, single submitter. Criteria: Ambry Variant Classification Scheme 2023. Collection method: clinical testing. Allele origin: germline.
Comment: The p.S399T variant (also known as c.1195T>A), located in coding exon 10 of the ACD gene, results from a T to A substitution at nucleotide position 1195. The serine at codon 399 is replaced by threonine, an amino acid with similar properties. This amino acid position is conserved. In addition, this alteration is predicted to be tolerated by in silico analysis. Since supporting evidence is limited at this time, the clinical significance of this alteration remains unclear.